The following is an entry in ClinVar:

NM_001364171.2(ODAD1):c.956A>G (p.Asp319Gly)

Gene: ODAD1 (outer dynein arm docking complex subunit 1; minus strand). Cytogenetic location: 19q13.33.
Variant type: single nucleotide variant.
Coding change: c.956A>G on transcript NM_001364171.2 (MANE Select); coding-DNA position 956, A replaced by G.
Protein change: p.Asp319Gly; replaces aspartic acid 319 with glycine.
Molecular consequence: missense variant.
Genome position (GRCh38, 1-based): chr19:48,303,682, T>C on the plus strand (A>G on the coding strand, the complement: ODAD1 is on the minus strand). VCF-style: chr19-48303682-T-C. GRCh37 (hg19) VCF-style: chr19-48806939-T-C.
Other names: c.845A>G, p.Asp282Gly (NM_144577.4); short protein forms D282G, D319G.
Identifiers: ClinVar variation 2195857 (VCV002195857.1), dbSNP rs758135332, ClinGen allele CA9548897.

ClinVar aggregate classification (germline): Uncertain significance (1 of 4 stars; one submission).

Conditions:
Primary ciliary dyskinesia. Also called: Ciliary dyskinesia. Identifiers: Orphanet 244, MedGen C0008780, MONDO:0016575, HP:0012265.

Allele frequency attached by ClinVar (database versions not stated): gnomAD 0.00001; gnomAD exomes 0.00001; TOPMed 0.00002; ExAC 0.00003.
gnomAD v4.1: 6 of 1,613,874 alleles (0.00037%); highest among the groups gnomAD compares: Admixed American, 0.01%; no homozygotes.

Submission:

Labcorp Genetics (formerly Invitae), Labcorp
Classification: Uncertain significance for Primary ciliary dyskinesia. Last evaluated: 2022-07-10. Review status: criteria provided, single submitter. Criteria: Invitae Variant Classification Sherloc (09022015). Collection method: clinical testing. Allele origin: germline.
Comment: This sequence change replaces aspartic acid, which is acidic and polar, with glycine, which is neutral and non-polar, at codon 282 of the CCDC114 protein (p.Asp282Gly). This variant is present in population databases (rs758135332, gnomAD 0.01%). This variant has not been reported in the literature in individuals affected with CCDC114-related conditions. Algorithms developed to predict the effect of missense changes on protein structure and function are either unavailable or do not agree on the potential impact of this missense change (SIFT: "Tolerated"; PolyPhen-2: "Benign"; Align-GVGD: "Class C35"). In summary, the available evidence is currently insufficient to determine the role of this variant in disease. Therefore, it has been classified as a Variant of Uncertain Significance.